The following is an entry in ClinVar:

ClinVar aggregate classification (germline): Pathogenic (0 of 4 stars; one submission).

Submission:

GenMed Metabolism Lab
Classification: Pathogenic. Review status: no assertion criteria provided. Collection method: not provided. Allele origin: unknown.
Comment: p.Gln270X, Neonatal
ClinVar note: Converted during submission from pathogenic to Pathogenic.

NM_000531.6(OTC):c.808C>T (p.Gln270Ter)

Gene: OTC (ornithine transcarbamylase; plus strand). Cytogenetic location: Xp11.4.
Variant type: single nucleotide variant.
Coding change: c.808C>T on transcript NM_000531.6 (MANE Select); coding-DNA position 808, C replaced by T.
Protein change: p.Gln270Ter; replaces glutamine 270 with a stop codon.
Molecular consequence: nonsense.
Genome position (GRCh38, 1-based): chrX:38,408,966, C>T. VCF-style: chrX-38408966-C-T. GRCh37 (hg19) VCF-style: chrX-38268219-C-T.
Other names: short protein forms Q270*.
Identifiers: ClinVar variation 97335 (VCV000097335.2), dbSNP rs72558451, ClinGen allele CA224801.